The following is an entry in ClinVar:

ClinVar aggregate classification (germline): Uncertain significance (1 of 4 stars; one submission).

Conditions:
Inborn genetic diseases. Identifiers: MedGen C0950123, MeSH D030342.

Submission:

Ambry Genetics
Classification: Uncertain significance for Inborn genetic diseases. Last evaluated: 2025-05-31. Review status: criteria provided, single submitter. Criteria: Ambry Variant Classification Scheme 2023. Collection method: clinical testing. Allele origin: germline.
Comment: The p.H152Y variant (also known as c.454C>T), located in coding exon 4 of the ETV6 gene, results from a C to T substitution at nucleotide position 454. The histidine at codon 152 is replaced by tyrosine, an amino acid with similar properties. This amino acid position is conserved. In addition, this alteration is predicted to be tolerated by in silico analysis. Based on the available evidence, the clinical significance of this variant remains unclear.

NM_001987.5(ETV6):c.454C>T (p.His152Tyr)

Gene: ETV6 (ETS variant transcription factor 6; plus strand). Cytogenetic location: 12p13.2.
Variant type: single nucleotide variant.
Coding change: c.454C>T on transcript NM_001987.5 (MANE Select); coding-DNA position 454, C replaced by T.
Protein change: p.His152Tyr; replaces histidine 152 with tyrosine.
Molecular consequence: missense variant.
Genome position (GRCh38, 1-based): chr12:11,853,552, C>T. VCF-style: chr12-11853552-C-T. GRCh37 (hg19) VCF-style: chr12-12006486-C-T.
Other names: c.451C>T, p.His151Tyr (NM_001413913.1); c.427C>T, p.His143Tyr (NM_001413914.1); c.190C>T, p.His64Tyr (NM_001413915.1); c.454C>T, p.His152Tyr (NM_001413916.1, NM_001413917.1); short protein forms H64Y, H143Y, H151Y, H152Y.
Identifiers: ClinVar variation 4020116 (VCV004020116.1).